The following is an entry in ClinVar:

ClinVar aggregate classification (germline): Uncertain significance (1 of 4 stars; one submission).

Allele frequency attached by ClinVar (database versions not stated): gnomAD exomes below 0.00001.
gnomAD v4.1: 2 of 1,610,544 alleles (0.00012%); highest among the groups gnomAD compares: Non-Finnish European, 0.00017%; no homozygotes.

Submission:

Labcorp Genetics (formerly Invitae), Labcorp
Classification: Uncertain significance. Last evaluated: 2024-10-30. Review status: criteria provided, single submitter. Criteria: Invitae Variant Classification Sherloc (09022015). Collection method: clinical testing. Allele origin: germline.
Comment: This sequence change replaces isoleucine, which is neutral and non-polar, with methionine, which is neutral and non-polar, at codon 603 of the GRIN2D protein (p.Ile603Met). This variant is not present in population databases (gnomAD no frequency). This variant has not been reported in the literature in individuals affected with GRIN2D-related conditions. ClinVar contains an entry for this variant (Variation ID: 2967149). Invitae Evidence Modeling of protein sequence and biophysical properties (such as structural, functional, and spatial information, amino acid conservation, physicochemical variation, residue mobility, and thermodynamic stability) indicates that this missense variant is not expected to disrupt GRIN2D protein function with a negative predictive value of 80%. In summary, the available evidence is currently insufficient to determine the role of this variant in disease. Therefore, it has been classified as a Variant of Uncertain Significance.

NM_000836.4(GRIN2D):c.1809C>G (p.Ile603Met)

Gene: GRIN2D (glutamate ionotropic receptor NMDA type subunit 2D; plus strand). Cytogenetic location: 19q13.33.
Variant type: single nucleotide variant.
Coding change: c.1809C>G on transcript NM_000836.4 (MANE Select); coding-DNA position 1809, C replaced by G.
Protein change: p.Ile603Met; replaces isoleucine 603 with methionine.
Molecular consequence: missense variant.
Genome position (GRCh38, 1-based): chr19:48,419,307, C>G. VCF-style: chr19-48419307-C-G. GRCh37 (hg19) VCF-style: chr19-48922564-C-G.
Other names: short protein forms I603M.
Identifiers: ClinVar variation 2967149 (VCV002967149.3), dbSNP rs2513674796, ClinGen allele CA406697441.